The following is an entry in ClinVar:

NM_153676.4(USH1C):c.2245A>G (p.Met749Val)

Gene: USH1C (USH1 protein network component harmonin; minus strand). Cytogenetic location: 11p15.1.
Variant type: single nucleotide variant.
Coding change: c.2245A>G on transcript NM_153676.4 (MANE Select); coding-DNA position 2245, A replaced by G.
Protein change: p.Met749Val; replaces methionine 749 with valine.
Molecular consequence: missense variant. On other transcripts: non-coding transcript variant (1).
Genome position (GRCh38, 1-based): chr11:17,501,517, T>C on the plus strand (A>G on the coding strand, the complement: USH1C is on the minus strand). VCF-style: chr11-17501517-T-C. GRCh37 (hg19) VCF-style: chr11-17523064-T-C.
Other names: c.1288A>G, p.Met430Val (NM_001297764.2); c.1345A>G, p.Met449Val (NM_005709.4); short protein forms M449V, M430V, M749V.
Identifiers: ClinVar variation 1512942 (VCV001512942.5), dbSNP rs767662810, ClinGen allele CA5904264.

ClinVar aggregate classification (germline): Uncertain significance (1 of 4 stars; one submission).

Allele frequency attached by ClinVar (database versions not stated): gnomAD exomes below 0.00001 and 0.00002; TOPMed 0.00001; ExAC 0.00002.
gnomAD v4.1: 3 of 1,612,390 alleles (0.00019%); highest among the groups gnomAD compares: Admixed American, 0.005%; no homozygotes.

Submission:

Labcorp Genetics (formerly Invitae), Labcorp
Classification: Uncertain significance. Last evaluated: 2022-03-04. Review status: criteria provided, single submitter. Criteria: Invitae Variant Classification Sherloc (09022015). Collection method: clinical testing. Allele origin: germline.
Comment: This sequence change replaces methionine, which is neutral and non-polar, with valine, which is neutral and non-polar, at codon 449 of the USH1C protein (p.Met449Val). This variant is present in population databases (rs767662810, gnomAD 0.01%). This variant has not been reported in the literature in individuals affected with USH1C-related conditions. Algorithms developed to predict the effect of missense changes on protein structure and function output the following: SIFT: "Tolerated"; PolyPhen-2: "Benign"; Align-GVGD: "Class C0". The valine amino acid residue is found in multiple mammalian species, which suggests that this missense change does not adversely affect protein function. In summary, the available evidence is currently insufficient to determine the role of this variant in disease. Therefore, it has been classified as a Variant of Uncertain Significance.